The following is an entry in ClinVar:

ClinVar aggregate classification (germline): Uncertain significance (1 of 4 stars; one submission).

Conditions:
Hereditary cancer-predisposing syndrome. Also called: Neoplastic Syndromes, Hereditary; Tumor predisposition; Hereditary Cancer Syndrome; Hereditary neoplastic syndrome. Identifiers: Orphanet 140162, MedGen C0027672, MeSH D009386, MONDO:0015356.

Submission:

Ambry Genetics
Classification: Uncertain significance for Hereditary cancer-predisposing syndrome. Last evaluated: 2021-03-30. Review status: criteria provided, single submitter. Criteria: Ambry Variant Classification Scheme 2023. Collection method: clinical testing. Allele origin: germline.
Comment: The p.D1018A variant (also known as c.3053A>C), located in coding exon 15 of the APC gene, results from an A to C substitution at nucleotide position 3053. The aspartic acid at codon 1018 is replaced by alanine, an amino acid with dissimilar properties. This amino acid position is well conserved in available vertebrate species. In addition, in silico predictors for this gene do not accurately predict pathogenicity. Since supporting evidence is limited at this time, the clinical significance of this alteration remains unclear.

NM_000038.6(APC):c.3053A>C (p.Asp1018Ala)

Gene: APC (APC regulator of Wnt signaling pathway; plus strand). Cytogenetic location: 5q22.2.
Variant type: single nucleotide variant.
Coding change: c.3053A>C on transcript NM_000038.6 (MANE Select); coding-DNA position 3053, A replaced by C.
Protein change: p.Asp1018Ala; replaces aspartic acid 1018 with alanine.
Molecular consequence: missense variant.
Genome position (GRCh38, 1-based): chr5:112,838,647, A>C. VCF-style: chr5-112838647-A-C. GRCh37 (hg19) VCF-style: chr5-112174344-A-C.
Other names: c.3053A>C, p.Asp1018Ala (NM_001127510.3, NM_001354895.2, NM_001407450.1); c.2999A>C, p.Asp1000Ala (NM_001127511.3); c.3107A>C, p.Asp1036Ala (NM_001354896.2, NM_001407447.1, NM_001407448.1 and 1 more transcripts); c.3083A>C, p.Asp1028Ala (NM_001354897.2); c.2978A>C, p.Asp993Ala (NM_001354898.2); c.2969A>C, p.Asp990Ala (NM_001354899.2); c.2930A>C, p.Asp977Ala (NM_001354900.2); c.2876A>C, p.Asp959Ala (NM_001354901.2, NM_001407453.1); and 11 more; short protein forms D1008A, D1028A, D634A, D735A, D858A, D1011A, D892A, D927A.
Identifiers: ClinVar variation 1799283 (VCV001799283.2), dbSNP rs1765325527, ClinGen allele CA16028018.
Genomic context (GRCh38, chr5:112,838,647, plus strand): 5'-GTCAATACCCAGCCGACCTAGCCCATAAAATACATAGTGCAAATCATATGGATGATAATG[A>C]TGGAGAACTAGATACACCAATAAATTATAGTCTTAAATATTCAGATGAGCAGTTGAACTC-3'
Protein context (NP_000029.2, residues 1008-1028): IHSANHMDDN[Asp1018Ala]GELDTPINYS